The following is an entry in ClinVar:

NM_003823.4(TNFRSF6B):c.703G>A (p.Ala235Thr)

Genes: RTEL1-TNFRSF6B (RTEL1-TNFRSF6B readthrough (NMD candidate); plus strand), TNFRSF6B (TNF receptor superfamily member 6b; plus strand). Cytogenetic location: 20q13.33.
Variant type: single nucleotide variant.
Coding change: c.703G>A on transcript NM_003823.4 (MANE Select); coding-DNA position 703, G replaced by A.
Protein change: p.Ala235Thr; replaces alanine 235 with threonine.
Molecular consequence: missense variant. On other transcripts: non-coding transcript variant (1).
Genome position (GRCh38, 1-based): chr20:63,698,363, G>A. VCF-style: chr20-63698363-G-A. GRCh37 (hg19) VCF-style: chr20-62329716-G-A.
Other names: short protein forms A235T.
Identifiers: ClinVar variation 2843090 (VCV002843090.3), dbSNP rs1017774705, ClinGen allele CA409712004.

ClinVar aggregate classification (germline): Uncertain significance (1 of 4 stars; one submission).

Submission:

Labcorp Genetics (formerly Invitae), Labcorp
Classification: Uncertain significance. Last evaluated: 2023-11-28. Review status: criteria provided, single submitter. Criteria: Invitae Variant Classification Sherloc (09022015). Collection method: clinical testing. Allele origin: germline.
Comment: This sequence change replaces alanine, which is neutral and non-polar, with threonine, which is neutral and polar, at codon 235 of the TNFRSF6B protein (p.Ala235Thr). This variant is not present in population databases (gnomAD no frequency). This variant has not been reported in the literature in individuals affected with TNFRSF6B-related conditions. An algorithm developed to predict the effect of missense changes on protein structure and function (PolyPhen-2) suggests that this variant is likely to be tolerated. In summary, the available evidence is currently insufficient to determine the role of this variant in disease. Therefore, it has been classified as a Variant of Uncertain Significance.